The following is an entry in ClinVar:

ClinVar aggregate classification (germline): Uncertain significance (1 of 4 stars; one submission).

Submission:

Labcorp Genetics (formerly Invitae), Labcorp
Classification: Uncertain significance. Last evaluated: 2024-11-04. Review status: criteria provided, single submitter. Criteria: Invitae Variant Classification Sherloc (09022015). Collection method: clinical testing. Allele origin: germline.
Comment: This sequence change replaces serine, which is neutral and polar, with asparagine, which is neutral and polar, at codon 3060 of the PCNT protein (p.Ser3060Asn). This variant is not present in population databases (gnomAD no frequency). This variant has not been reported in the literature in individuals affected with PCNT-related conditions. ClinVar contains an entry for this variant (Variation ID: 2001251). An algorithm developed to predict the effect of missense changes on protein structure and function outputs the following: PolyPhen-2: "Possibly Damaging". The asparagine amino acid residue is found in multiple mammalian species, which suggests that this missense change does not adversely affect protein function. In summary, the available evidence is currently insufficient to determine the role of this variant in disease. Therefore, it has been classified as a Variant of Uncertain Significance.

NM_006031.6(PCNT):c.9179G>A (p.Ser3060Asn)

Gene: PCNT (pericentrin; plus strand). Cytogenetic location: 21q22.3.
Variant type: single nucleotide variant.
Coding change: c.9179G>A on transcript NM_006031.6 (MANE Select); coding-DNA position 9179, G replaced by A.
Protein change: p.Ser3060Asn; replaces serine 3060 with asparagine.
Molecular consequence: missense variant.
Genome position (GRCh38, 1-based): chr21:46,438,243, G>A. VCF-style: chr21-46438243-G-A. GRCh37 (hg19) VCF-style: chr21-47858156-G-A.
Other names: c.8588G>A, p.Ser2863Asn (NM_001315529.2); short protein forms S3060N, S2863N.
Identifiers: ClinVar variation 2001251 (VCV002001251.4), dbSNP rs758788000, ClinGen allele CA410576606.